The following is an entry in ClinVar:

NM_004239.4(TRIP11):c.1828_1830del (p.Lys610del)

Gene: TRIP11 (thyroid hormone receptor interactor 11; minus strand). Cytogenetic location: 14q32.12.
Variant type: Deletion.
Coding change: c.1828_1830del on transcript NM_004239.4 (MANE Select); coding-DNA positions 1828 to 1830, 3 bases deleted (AAG; older notation c.1828_1830delAAG).
Protein change: p.Lys610del; deletes lysine 610.
Molecular consequence: inframe deletion.
Genome position (GRCh38, 1-based): chr14:92,006,146-92,006,148, CTT deleted on the plus strand (AAG on the coding strand, the reverse complement: TRIP11 is on the minus strand). VCF-style (leftmost placement, unchanged base first): chr14-92006145-CCTT-C. GRCh37 (hg19) VCF-style: chr14-92472489-CCTT-C.
Other names: c.1825_1827del, p.Lys609del (NM_001321851.1); short protein forms K609del, K610del.
Identifiers: ClinVar variation 1466988 (VCV001466988.8), dbSNP rs2140119756, ClinGen allele CA2573150253.

ClinVar aggregate classification (germline): Uncertain significance (1 of 4 stars; one submission).

Conditions:
Achondrogenesis, type IA (ACG1A). Identifiers: Orphanet 932, Orphanet 93299, MedGen C0265273, MONDO:0008701, OMIM 200600.

Submission:

Labcorp Genetics (formerly Invitae), Labcorp
Classification: Uncertain significance for Achondrogenesis, type IA. Last evaluated: 2023-10-13. Review status: criteria provided, single submitter. Criteria: Invitae Variant Classification Sherloc (09022015). Collection method: clinical testing. Allele origin: germline.
Comment: This variant, c.1828_1830del, results in the deletion of 1 amino acid(s) of the TRIP11 protein (p.Lys610del), but otherwise preserves the integrity of the reading frame. This variant is not present in population databases (gnomAD no frequency). This variant has not been reported in the literature in individuals affected with TRIP11-related conditions. ClinVar contains an entry for this variant (Variation ID: 1466988). Experimental studies and prediction algorithms are not available or were not evaluated, and the functional significance of this variant is currently unknown. In summary, the available evidence is currently insufficient to determine the role of this variant in disease. Therefore, it has been classified as a Variant of Uncertain Significance.